The following is an entry in ClinVar:

NM_000218.3(KCNQ1):c.1733-10T>A

Gene: KCNQ1 (potassium voltage-gated channel subfamily Q member 1; plus strand). Cytogenetic location: 11p15.5.
Variant type: single nucleotide variant.
Coding change: c.1733-10T>A on transcript NM_000218.3 (MANE Select); 10 bases into the intron before coding-DNA position 1733, T replaced by A.
Molecular consequence: intron variant.
Genome position (GRCh38, 1-based): chr11:2,777,966, T>A. VCF-style: chr11-2777966-T-A. GRCh37 (hg19) VCF-style: chr11-2799196-T-A.
Other names: c.1463-10T>A (NM_001406837.1); c.1637-10T>A (NM_001406836.1); c.1193-10T>A (NM_001406838.1); c.1352-10T>A (NM_181798.2); c.245-10T>A (NM_001406839.1).
Identifiers: ClinVar variation 2732044 (VCV002732044.4), dbSNP rs2133992099, ClinGen allele CA2574728526.

ClinVar aggregate classification (germline): Conflicting classifications of pathogenicity. Review status: criteria provided, conflicting classifications (1 of 4 stars). 2 submissions from 2 submitters: Uncertain significance (1); Likely benign (1). Last evaluated 2023-09-05.

Conditions:
Long QT syndrome (LQTS). Identifiers: MedGen C0023976, MeSH D008133, MONDO:0002442. Disease mechanism: loss of function. Inheritance: Various modes of inheritance.

Submissions (2):

Labcorp Genetics (formerly Invitae), Labcorp
Classification: Likely benign for Long QT syndrome. Last evaluated: 2023-09-05. Review status: criteria provided, single submitter. Criteria: Invitae Variant Classification Sherloc (09022015). Collection method: clinical testing. Allele origin: germline.

All of Us Research Program, National Institutes of Health
Classification: Uncertain significance for Long QT syndrome. Last evaluated: 2023-08-15. Review status: criteria provided, single submitter. Criteria: ACMG Guidelines, 2015. Collection method: clinical testing. Allele origin: germline. Inheritance: Autosomal dominant inheritance. Observed: 1 variant allele, 1 heterozygote.
Comment: This variant causes a T to A nucleotide substitution at the -10 position of intron 14 of the KCNQ1 gene. To our knowledge, functional studies have not been reported for this variant. This variant has not been reported in individuals affected with KCNQ1-related disorders in the literature. This variant has not been identified in the general population by the Genome Aggregation Database (gnomAD). The available evidence is insufficient to determine the role of this variant in disease conclusively. Therefore, this variant is classified as a Variant of Uncertain Significance.

This study involves interpretation of variants in research participants for the purpose of population health screening. Participant phenotype was not available at the time of variant classification. Additional details can be found in publication PMID: 35346344, PMCID: PMC8962531